The following is an entry in ClinVar:

ClinVar aggregate classification (germline): Likely pathogenic (1 of 4 stars; one submission).

Conditions:
Pelizaeus-Merzbacher disease. Also called: Pelizeaus-Merzbacher spectrum disorder; Sudanophilic leukodystrophy; Pelizaeus-Merzbacher spectrum disorder; Pelizaeus-Merzbacher Disease (PMD); LEUKODYSTROPHY, HYPOMYELINATING, 1. Identifiers: Orphanet 702, MedGen C0205711, MONDO:0010714, OMIM 312080, HP:0003269.

Submission:

MVZ Praenatalmedizin und Genetik Nuernberg
Classification: Likely pathogenic for Pelizaeus-Merzbacher disease. Last evaluated: 2024-02-28. Review status: criteria provided, single submitter. Criteria: ACMG Guidelines, 2015. Collection method: clinical testing. Allele origin: germline.
Comment: It is located in exon 4 of the PLP1 gene and leads to a shift in the reading frame and, consequently, probably to premature degradation of the mRNA (nonsense-mediated decay, NMD) or to premature truncation of the protein (p.(Ile197Argfs*6)). The variant is not described in the population-based database gnomAD (gnomAD v.4), ClinVar, or the literature. A neighboring change (c.588dup) with a similar consequence at the protein level (p.Ile197Tyrfs*7) has been classified once in the ClinVar database as pathogenic for spastic paraplegia type 2. There are 3 other pathogenic or likely pathogenic classified truncating alterations in exon 4 of PLP1 in ClinVar. In summary, based on the current data, we assess this to be a likely pathogenic alteration.

NM_000533.5(PLP1):c.590_591del (p.Ile197fs)

Genes: PLP1 (proteolipid protein 1; plus strand), RAB9B (RAB9B, member RAS oncogene family; minus strand). Cytogenetic location: Xq22.2.
Variant type: Microsatellite.
Coding change: c.590_591del on transcript NM_000533.5 (MANE Select); coding-DNA positions 590 to 591, 2 bases deleted (TA; older notation c.590_591delTA).
Protein change: p.Ile197fs; shifts the reading frame from isoleucine 197.
Molecular consequence: frameshift variant.
Genome position (GRCh38, 1-based): chrX:103,787,934-103,787,935, TA deleted; deleting any 2 consecutive bases within chrX:103,787,932-103,787,935 gives the same sequence; the c. name uses the placement nearest the transcript's 3' end. VCF-style (leftmost placement, unchanged base first): chrX-103787931-GTA-G. GRCh37 (hg19) VCF-style: chrX-103042860-GTA-G.
Other names: c.590_591del, p.Ile197fs (NM_001128834.3); c.425_426del, p.Ile142fs (NM_001305004.1); c.485_486del, p.Ile162fs (NM_199478.3); short protein forms I142fs, I162fs, I197fs.
Identifiers: ClinVar variation 4813481 (VCV004813481.1).
Genomic context (GRCh38, chrX:103,787,931, plus strand): 5'-TTTACTTCAACACCTGGACCACCTGCCAGTCTATTGCCTTCCCCAGCAAGACCTCTGCCA[GTA>G]TAGGCAGTCTCTGTGCTGATGCCAGAATGTATGGTGAGTTAGGGTACGGGTGCTTTGGCT-3'